The following is an entry in ClinVar:

ClinVar aggregate classification (germline): Pathogenic (1 of 4 stars; one submission).

Conditions:
KBG syndrome (KBGS). Also called: ANKRD11-Related KBG Syndrome. Identifiers: Orphanet 2332, MedGen C0220687, MONDO:0007846, OMIM 148050.

Submission:

HudsonAlpha Institute for Biotechnology
Classification: Pathogenic for KBG syndrome. Last evaluated: 2020-11-13. Review status: criteria provided, single submitter. Criteria: ACMG Guidelines, 2015. Collection method: research. Allele origin: de novo. Affected: yes. Observed: 1 variant allele. Study: HudsonAlpha-AGHI-WGS.
Comment: ACMG codes:PVS1, PS2, PM2

NM_013275.6(ANKRD11):c.4055_4058del (p.His1352fs)

Gene: ANKRD11 (ankyrin repeat domain 11; minus strand). Cytogenetic location: 16q24.3.
Variant type: Deletion.
Coding change: c.4055_4058del on transcript NM_013275.6 (MANE Select); coding-DNA positions 4055 to 4058, 4 bases deleted (ACTC; older notation c.4055_4058delACTC).
Protein change: p.His1352fs; shifts the reading frame from histidine 1352.
Molecular consequence: frameshift variant.
Genome position (GRCh38, 1-based): chr16:89,282,484-89,282,487, GAGT deleted on the plus strand (ACTC on the coding strand, the reverse complement: ANKRD11 is on the minus strand); deleting any 4 consecutive bases within chr16:89,282,484-89,282,488 gives the same sequence; the c. name uses the placement nearest the transcript's 3' end. VCF-style (leftmost placement, unchanged base first): chr16-89282483-GGAGT-G. GRCh37 (hg19) VCF-style: chr16-89348891-GGAGT-G.
Other names: c.4055_4058del, p.His1352fs (NM_001256182.2, NM_001256183.2); c.4055_4058delACTC (NM_013275.6); short protein forms H1352fs.
Identifiers: ClinVar variation 1251930 (VCV001251930.1), dbSNP rs2151751963, ClinGen allele CA2499223790.